The following is an entry in ClinVar:

ClinVar aggregate classification (germline): Benign/Likely benign. Review status: criteria provided, multiple submitters, no conflicts (2 of 4 stars). 5 submissions from 5 submitters: Benign (1); Likely benign (3). 1 of the submissions does not count toward it. Last evaluated 2025-12-10.

Conditions:
Dystrophin deficiency.
Duchenne muscular dystrophy (DMD). Also called: MUSCULAR DYSTROPHY, PSEUDOHYPERTROPHIC PROGRESSIVE, DUCHENNE TYPE; Duchenne Muscular Dystrophy (DMD). Identifiers: Orphanet 98896, MedGen C0013264, MONDO:0010679, OMIM 310200.
Becker muscular dystrophy (BMD). Also called: Becker Muscular Dystrophy (BMD); MUSCULAR DYSTROPHY, PSEUDOHYPERTROPHIC PROGRESSIVE, BECKER TYPE. Identifiers: Orphanet 98895, MedGen C0917713, MONDO:0010311, OMIM 300376.
Cardiomyopathy (CMYO). Also called: Cardiomyopathies. Identifiers: Orphanet 167848, MedGen C0878544, MONDO:0004994, HP:0001638. Inheritance: Various modes of inheritance.

Allele frequency attached by ClinVar (database versions not stated): gnomAD exomes 0.00001; TOPMed 0.00002; ExAC 0.00003; gnomAD 0.00003; ESP Exome Variant Server 0.00009.
gnomAD v4.1: 97 of 1,193,144 alleles (0.0081%); highest among the groups gnomAD compares: Non-Finnish European, 0.011%; no homozygotes.

Submissions (5):

Labcorp Genetics (formerly Invitae), Labcorp
Classification: Benign for Duchenne muscular dystrophy. Last evaluated: 2025-12-10. Review status: criteria provided, single submitter. Criteria: Invitae Variant Classification Sherloc (09022015). Collection method: clinical testing. Allele origin: germline.

Blueprint Genetics
Classification: Likely benign. Last evaluated: 2024-08-12. Review status: criteria provided, single submitter. Criteria: ACMG Guidelines, 2015. Collection method: clinical testing. Allele origin: germline.

Laboratory for Molecular Medicine, Mass General Brigham Personalized Medicine
Classification: Likely benign. Last evaluated: 2019-12-20. Review status: criteria provided, single submitter. Criteria: LMM Criteria. Collection method: clinical testing. Allele origin: germline. Observed: 1 variant allele.
Comment: The c.1332-11C>T variant in DMD is classified as likely benign because a C>T change at this position does not diverge from the splice consensus sequence making it unlikely to impact splicing and computational splice prediction tools do not predict an impact on splicing. It has been identified in 0.003% (3/87725) of European chromosomes by gnomAD. ACMG/AMP Criteria applied: BP7.

GeneDx
Classification: Likely benign. Last evaluated: 2018-05-03. Review status: criteria provided, single submitter. Criteria: GeneDx Variant Classification Process June 2021. Collection method: clinical testing. Allele origin: germline. Affected: yes.

Natera, Inc.
Classification: Likely benign for Becker muscular dystrophy; Cardiomyopathy; Duchenne muscular dystrophy; Dystrophin deficiency. Last evaluated: 2019-07-10. Review status: no assertion criteria provided. Collection method: clinical testing. Allele origin: germline. Not counted in ClinVar's aggregate classification.

NM_004006.3(DMD):c.1332-11C>T

Gene: DMD (dystrophin; minus strand). Cytogenetic location: Xp21.1.
Variant type: single nucleotide variant.
Coding change: c.1332-11C>T on transcript NM_004006.3 (MANE Select); 11 bases into the intron before coding-DNA position 1332, C replaced by T.
Molecular consequence: intron variant.
Genome position (GRCh38, 1-based): chrX:32,614,464, G>A on the plus strand (C>T on the coding strand, the complement: DMD is on the minus strand). VCF-style: chrX-32614464-G-A. GRCh37 (hg19) VCF-style: chrX-32632581-G-A.
Other names: c.1308-11C>T (NM_000109.4); c.1320-11C>T (NM_004009.3); c.963-11C>T (NM_004010.3).
Identifiers: ClinVar variation 386402 (VCV000386402.16), dbSNP rs370927319, ClinGen allele CA10379877.